The following is an entry in ClinVar:

NM_000412.5(HRG):c.1322G>A (p.Arg441Gln)

Gene: HRG (histidine rich glycoprotein; plus strand). Cytogenetic location: 3q27.3.
Variant type: single nucleotide variant.
Coding change: c.1322G>A on transcript NM_000412.5 (MANE Select); coding-DNA position 1322, G replaced by A.
Protein change: p.Arg441Gln; replaces arginine 441 with glutamine.
Molecular consequence: missense variant.
Genome position (GRCh38, 1-based): chr3:186,677,627, G>A. VCF-style: chr3-186677627-G-A. GRCh37 (hg19) VCF-style: chr3-186395416-G-A.
Other names: short protein forms R441Q.
Identifiers: ClinVar variation 2217172 (VCV002217172.3), dbSNP rs529521530, ClinGen allele CA2745918.

ClinVar aggregate classification (germline): Uncertain significance. Review status: criteria provided, multiple submitters, no conflicts (2 of 4 stars). 2 submissions from 2 submitters: Uncertain significance (2). Last evaluated 2026-03-09.

Allele frequency attached by ClinVar (database versions not stated): ExAC 0.00002; gnomAD exomes 0.00005; gnomAD 0.00006; TOPMed 0.00008.

Submissions (2):

Women's Health and Genetics/Laboratory Corporation of America, LabCorp
Classification: Uncertain significance. Last evaluated: 2026-03-09. Review status: criteria provided, single submitter. Criteria: LabCorp Variant Classification Summary - May 2015. Collection method: clinical testing. Allele origin: germline.
Comment: Variant summary: HRG c.1322G>A (p.Arg441Gln) results in a conservative amino acid change in the encoded protein sequence. Algorithms developed to predict the effect of missense changes on protein structure and function all suggest that this variant is likely to be tolerated. The variant allele was found at a frequency of 2.4e-05 in 250980 control chromosomes. The available data on variant occurrences in the general population are insufficient to allow any conclusion about variant significance. To our knowledge, no occurrence of c.1322G>A in individuals affected with HRG-related conditions and no experimental evidence demonstrating its impact on protein function have been reported. ClinVar contains an entry for this variant (Variation ID: 2217172). Based on the evidence outlined above, the variant was classified as uncertain significance.

Ambry Genetics
Classification: Uncertain significance. Last evaluated: 2022-10-26. Review status: criteria provided, single submitter. Criteria: Ambry Variant Classification Scheme 2023. Collection method: clinical testing. Allele origin: germline.